The following is an entry in ClinVar:

ClinVar aggregate classification (germline): Conflicting classifications of pathogenicity. Review status: criteria provided, conflicting classifications (1 of 4 stars). 2 submissions from 2 submitters: Uncertain significance (1); Likely benign (1). Last evaluated 2025-07-31.

Conditions:
EGFR-related lung cancer (EGFR). Identifiers: MedGen CN130014.
Hereditary cancer-predisposing syndrome. Also called: Hereditary Cancer Syndrome; Tumor predisposition; Neoplastic Syndromes, Hereditary; Hereditary neoplastic syndrome. Identifiers: Orphanet 140162, MedGen C0027672, MeSH D009386, MONDO:0015356.

Allele frequency attached by ClinVar (database versions not stated): gnomAD exomes 0.00003 and 0.00002; ExAC 0.00001; gnomAD 0.00001.
gnomAD v4.1: 42 of 1,613,726 alleles (0.0026%); highest among the groups gnomAD compares: South Asian, 0.0066%; no homozygotes.

Submissions (2):

Labcorp Genetics (formerly Invitae), Labcorp
Classification: Uncertain significance for EGFR-related lung cancer. Last evaluated: 2025-07-31. Review status: criteria provided, single submitter. Criteria: Invitae Variant Classification Sherloc (09022015). Collection method: clinical testing. Allele origin: germline.
Comment: This sequence change replaces glycine, which is neutral and non-polar, with serine, which is neutral and polar, at codon 485 of the EGFR protein (p.Gly485Ser). This variant is present in population databases (rs769434273, gnomAD 0.003%). This variant has not been reported in the literature in individuals affected with EGFR-related conditions. ClinVar contains an entry for this variant (Variation ID: 863465). An algorithm developed to predict the effect of missense changes on protein structure and function outputs the following: PolyPhen-2: "Benign". The serine amino acid residue is found in multiple mammalian species, which suggests that this missense change does not adversely affect protein function. In summary, the available evidence is currently insufficient to determine the role of this variant in disease. Therefore, it has been classified as a Variant of Uncertain Significance.

Ambry Genetics
Classification: Likely benign for Hereditary cancer-predisposing syndrome. Last evaluated: 2024-12-23. Review status: criteria provided, single submitter. Criteria: Ambry Variant Classification Scheme 2023. Collection method: clinical testing. Allele origin: germline.

NM_005228.5(EGFR):c.1453G>A (p.Gly485Ser)

Gene: EGFR (epidermal growth factor receptor; plus strand). Cytogenetic location: 7p11.2.
Variant type: single nucleotide variant.
Coding change: c.1453G>A on transcript NM_005228.5 (MANE Select); coding-DNA position 1453, G replaced by A.
Protein change: p.Gly485Ser; replaces glycine 485 with serine.
Molecular consequence: missense variant.
Genome position (GRCh38, 1-based): chr7:55,160,293, G>A. VCF-style: chr7-55160293-G-A. GRCh37 (hg19) VCF-style: chr7-55227986-G-A.
Other names: c.1318G>A, p.Gly440Ser (NM_001346897.2, NM_001346899.2); c.1453G>A, p.Gly485Ser (NM_001346898.2, NM_201282.2, NM_201284.2); c.1294G>A, p.Gly432Ser (NM_001346900.2); c.652G>A, p.Gly218Ser (NM_001346941.2); short protein forms G485S, G218S, G440S, G432S.
Identifiers: ClinVar variation 863465 (VCV000863465.7), dbSNP rs769434273, ClinGen allele CA4265577.